The following is an entry in ClinVar:

ClinVar aggregate classification (germline): Pathogenic (1 of 4 stars; one submission).

Conditions:
Ataxia-telangiectasia syndrome (AT). Also called: Ataxia-telangiectasia, complementation group E; Cerebello-oculocutaneous telangiectasia; Immunodeficiency with ataxia telangiectasia; Ataxia-telangiectasia, complementation group D; AT, COMPLEMENTATION GROUP C; Ataxia-telangiectasia. Identifiers: Orphanet 100, MedGen C0004135, MONDO:0008840, OMIM 208900.

Submission:

Labcorp Genetics (formerly Invitae), Labcorp
Classification: Pathogenic for Ataxia-telangiectasia syndrome. Last evaluated: 2022-01-07. Review status: criteria provided, single submitter. Criteria: Invitae Variant Classification Sherloc (09022015). Collection method: clinical testing. Allele origin: germline.
Comment: This sequence change creates a premature translational stop signal (p.Asn1515Lysfs*16) in the ATM gene. It is expected to result in an absent or disrupted protein product. Loss-of-function variants in ATM are known to be pathogenic (PMID: 23807571, 25614872). For these reasons, this variant has been classified as Pathogenic. ClinVar contains an entry for this variant (Variation ID: 854459). This variant has not been reported in the literature in individuals affected with ATM-related conditions. This variant is not present in population databases (gnomAD no frequency).

Literature cited by the submitters: PubMed 23807571; PubMed 25614872.

NM_000051.4(ATM):c.4544dup (p.Asn1515fs)

Gene: ATM (ATM serine/threonine kinase; plus strand). Cytogenetic location: 11q22.3.
Variant type: Duplication.
Coding change: c.4544dup on transcript NM_000051.4 (MANE Select); coding-DNA position 4544, one base duplicated (A; older notation c.4544dupA).
Protein change: p.Asn1515fs; shifts the reading frame from asparagine 1515.
Molecular consequence: frameshift variant.
Genome position (GRCh38, 1-based): chr11:108,292,726, A duplicated; the last of 4 consecutive A bases (chr11:108,292,723-108,292,726); duplicating any one gives the same sequence. VCF-style (leftmost placement, unchanged base first): chr11-108292722-G-GA. GRCh37 (hg19) VCF-style: chr11-108163449-G-GA.
Other names: c.4544dup, p.Asn1515fs (NM_001351834.2); short protein forms N1515fs.
Identifiers: ClinVar variation 854459 (VCV000854459.7), dbSNP rs2082867555, ClinGen allele CA916080466.